The following is an entry in ClinVar:

ClinVar aggregate classification (germline): Uncertain significance. Review status: criteria provided, multiple submitters, no conflicts (2 of 4 stars). 2 submissions from 2 submitters: Uncertain significance (2). Last evaluated 2024-03-25.

Allele frequency attached by ClinVar (database versions not stated): gnomAD below 0.00001 and 0.00005; gnomAD exomes 0.00003 and 0.00008; 1000 Genomes Project 0.00020; ExAC 0.00013; 1000 Genomes Project 30x 0.00016.
gnomAD v4.1: 56 of 1,551,910 alleles (0.0036%); highest among the groups gnomAD compares: South Asian, 0.059%; 1 homozygote.

Submissions (2):

Labcorp Genetics (formerly Invitae), Labcorp
Classification: Uncertain significance. Last evaluated: 2024-03-25. Review status: criteria provided, single submitter. Criteria: Invitae Variant Classification Sherloc (09022015). Collection method: clinical testing. Allele origin: germline.
Comment: This sequence change replaces isoleucine, which is neutral and non-polar, with phenylalanine, which is neutral and non-polar, at codon 558 of the DTHD1 protein (p.Ile558Phe). This variant is present in population databases (rs565316336, gnomAD 0.06%). This variant has not been reported in the literature in individuals affected with DTHD1-related conditions. ClinVar contains an entry for this variant (Variation ID: 846345). An algorithm developed to predict the effect of missense changes on protein structure and function (PolyPhen-2) suggests that this variant is likely to be tolerated. In summary, the available evidence is currently insufficient to determine the role of this variant in disease. Therefore, it has been classified as a Variant of Uncertain Significance.

Blueprint Genetics
Classification: Uncertain significance. Last evaluated: 2023-06-12. Review status: criteria provided, single submitter. Criteria: ACMG Guidelines, 2015. Collection method: clinical testing. Allele origin: germline.

NM_001170700.3(DTHD1):c.2542A>T (p.Ile848Phe)

Gene: DTHD1 (death domain containing 1; plus strand). Cytogenetic location: 4p14.
Variant type: single nucleotide variant.
Coding change: c.2542A>T on transcript NM_001170700.3 (MANE Select); coding-DNA position 2542, A replaced by T.
Protein change: p.Ile848Phe; replaces isoleucine 848 with phenylalanine.
Molecular consequence: missense variant. On other transcripts: non-coding transcript variant (2).
Genome position (GRCh38, 1-based): chr4:36,343,645, A>T. VCF-style: chr4-36343645-A-T. GRCh37 (hg19) VCF-style: chr4-36345267-A-T.
Other names: c.1672A>T, p.Ile558Phe (NM_001136536.5); c.1551A>T, p.Arg517Ser (NM_001378435.1); short protein forms I558F, I848F, R517S.
Identifiers: ClinVar variation 846345 (VCV000846345.11), dbSNP rs565316336, ClinGen allele CA2885750.